The following is an entry in ClinVar:

ClinVar aggregate classification (germline): Conflicting classifications of pathogenicity. Review status: criteria provided, conflicting classifications (1 of 4 stars). 7 submissions from 7 submitters: Uncertain significance (1); Benign (6). Last evaluated 2026-01-27.

Conditions:
Autosomal recessive nonsyndromic hearing loss 30. Identifiers: Orphanet 90636, MedGen C1846784, MONDO:0011774, OMIM 607101.

Allele frequency attached by ClinVar (database versions not stated): 1000 Genomes Project 30x 0.00172; 1000 Genomes Project 0.00200; gnomAD exomes 0.00748; gnomAD 0.00754 and 0.00780; TOPMed 0.00776; ExAC 0.00782; ESP Exome Variant Server 0.01077.
gnomAD v4.1: 19,403 of 1,613,830 alleles (1.2%); highest among the groups gnomAD compares: Non-Finnish European, 1.5%; 180 homozygotes.

Submissions (7):

Labcorp Genetics (formerly Invitae), Labcorp
Classification: Benign. Last evaluated: 2026-01-27. Review status: criteria provided, single submitter. Criteria: Invitae Variant Classification Sherloc (09022015). Collection method: clinical testing. Allele origin: germline.

CeGaT Center for Human Genetics Tuebingen
Classification: Benign. Last evaluated: 2023-02-01. Review status: criteria provided, single submitter. Criteria: CeGaT Center For Human Genetics Tuebingen Variant Classification Criteria Version 2. Collection method: clinical testing. Allele origin: germline. Affected: yes. Observed: 2 variant alleles.
Comment: MYO3A: BP4, BS1, BS2

Mayo Clinic Laboratories, Mayo Clinic
Classification: Benign. Last evaluated: 2021-12-21. Review status: criteria provided, single submitter. Criteria: ACMG Guidelines, 2015. Collection method: clinical testing. Allele origin: germline. Observed: 4 variant alleles.
Comment: BA1, BS2, BP4

Athena Diagnostics
Classification: Benign. Last evaluated: 2018-09-12. Review status: criteria provided, single submitter. Criteria: Athena Diagnostics Criteria. Collection method: clinical testing. Allele origin: germline.

GeneDx
Classification: Benign. Last evaluated: 2018-05-24. Review status: criteria provided, single submitter. Criteria: GeneDx Variant Classification Process June 2021. Collection method: clinical testing. Allele origin: germline. Affected: yes.

Illumina Laboratory Services, Illumina
Classification: Uncertain significance for Autosomal recessive nonsyndromic hearing loss 30. Last evaluated: 2017-04-27. Review status: criteria provided, single submitter. Criteria: ICSL Variant Classification Criteria 13 December 2019. Collection method: clinical testing. Allele origin: germline.
Comment: This variant was observed as part of a predisposition screen in an ostensibly healthy population. A literature search was performed for the gene, cDNA change, and amino acid change (where applicable). Publications were found based on this search. However, the evidence from the literature, in combination with allele frequency data from public databases where available, was not sufficient to rule this variant in or out of causing disease. Therefore, this variant is classified as a variant of unknown significance.

Laboratory for Molecular Medicine, Mass General Brigham Personalized Medicine
Classification: Benign. Last evaluated: 2012-05-07. Review status: criteria provided, single submitter. Criteria: LMM Criteria. Collection method: clinical testing. Allele origin: germline. Observed: 29 variant alleles.
Comment: Thr1417Ile in Exon 30 of MYO3A: This variant is not expected to have clinical si gnificance because it has been identified in 1.5% (105/7018) of European America n chromosomes from a broad population by the NHLBI Exome Sequencing Project (dbSNP rs34151474).

Literature cited by the submitters: PubMed 17344846 (cited by Athena Diagnostics and Illumina Laboratory Services, Illumina).

NM_017433.5(MYO3A):c.4250C>T (p.Thr1417Ile)

Gene: MYO3A (myosin IIIA; plus strand). Cytogenetic location: 10p12.1.
Variant type: single nucleotide variant.
Coding change: c.4250C>T on transcript NM_017433.5 (MANE Select); coding-DNA position 4250, C replaced by T.
Protein change: p.Thr1417Ile; replaces threonine 1417 with isoleucine.
Molecular consequence: missense variant.
Genome position (GRCh38, 1-based): chr10:26,174,514, C>T. VCF-style: chr10-26174514-C-T. GRCh37 (hg19) VCF-style: chr10-26463443-C-T.
Other names: short protein forms T1417I.
Identifiers: ClinVar variation 45813 (VCV000045813.45), dbSNP rs34151474, ClinGen allele CA137087.